The following is an entry in ClinVar:

ClinVar aggregate classification (germline): Pathogenic (1 of 4 stars; one submission).

Conditions:
Hereditary breast ovarian cancer syndrome. Also called: BRCA1- and BRCA2-Associated Hereditary Breast and Ovarian Cancer; Breast and ovarian cancer; Hereditary breast and ovarian cancer syndrome; Hereditary breast and ovarian cancer syndrome (HBOC); Hereditary breast and/or ovarian cancer syndrome; Hereditary breast and ovarian cancer. Identifiers: Orphanet 145, MedGen C0677776, MeSH D061325, MONDO:0003582. Disease mechanism: loss of function.

Submission:

Labcorp Genetics (formerly Invitae), Labcorp
Classification: Pathogenic for Hereditary breast ovarian cancer syndrome. Last evaluated: 2025-08-01. Review status: criteria provided, single submitter. Criteria: Invitae Variant Classification Sherloc (09022015). Collection method: clinical testing. Allele origin: germline.
Comment: This sequence change creates a premature translational stop signal (p.Ser424Argfs*22) in the BRCA2 gene. It is expected to result in an absent or disrupted protein product. Loss-of-function variants in BRCA2 are known to be pathogenic (PMID: 20104584). This variant is not present in population databases (gnomAD no frequency). This premature translational stop signal has been observed in individual(s) with breast cancer (PMID: 38355628). For these reasons, this variant has been classified as Pathogenic.

Literature cited by the submitters: PubMed 20104584; PubMed 38355628.

NM_000059.4(BRCA2):c.1270_1286del (p.Ser424fs)

Gene: BRCA2 (BRCA2 DNA repair associated; plus strand). Cytogenetic location: 13q13.1.
Variant type: Deletion.
Coding change: c.1270_1286del on transcript NM_000059.4 (MANE Select); coding-DNA positions 1270 to 1286, 17 bases deleted (TCAGAAAAAGACCTATT).
Protein change: p.Ser424fs; shifts the reading frame from serine 424.
Molecular consequence: frameshift variant. On other transcripts: non-coding transcript variant (1), intron variant (1).
Genome position (GRCh38, 1-based): chr13:32,332,748-32,332,764, TCAGAAAAAGACCTATT deleted; deleting any 17 consecutive bases within chr13:32,332,744-32,332,764 gives the same sequence; the c. name uses the placement nearest the transcript's 3' end. VCF-style (leftmost placement, unchanged base first): chr13-32332743-ATATTTCAGAAAAAGACC-A. GRCh37 (hg19) VCF-style: chr13-32906880-ATATTTCAGAAAAAGACC-A.
Other names: c.1270_1286del, p.Ser424fs (NM_001406719.1, NM_001406720.1, NM_001406721.1 and 1 more transcripts); c.424+1718_424+1734del (NM_001406722.1); short protein forms S424fs.
Identifiers: ClinVar variation 4710780 (VCV004710780.1).
Genomic context (GRCh38, chr13:32,332,743, plus strand): 5'-GTCTAAATGGAGCCCAGATGGAGAAAATACCCCTATTGCATATTTCTTCATGTGACCAAA[ATATTTCAGAAAAAGACC>A]TATTAGACACAGAGAACAAAAGAAAGAAAGATTTTCTTACTTCAGAGAATTCTTTGCCAC-3'